The following is an entry in ClinVar:

ClinVar aggregate classification (germline): Uncertain significance (1 of 4 stars; one submission).

Conditions:
Hyperphosphatasia with intellectual disability syndrome 5 (GPIBD11). Also called: GLYCOSYLPHOSPHATIDYLINOSITOL BIOSYNTHESIS DEFECT 11. Identifiers: Orphanet 247262, MedGen C4014958, MONDO:0014457, OMIM 616025.

gnomAD v4.1: 3 of 1,614,114 alleles (0.00019%); highest among the groups gnomAD compares: East Asian, 0.0045%; no homozygotes.

Submission:

Labcorp Genetics (formerly Invitae), Labcorp
Classification: Uncertain significance for Hyperphosphatasia with intellectual disability syndrome 5. Last evaluated: 2021-01-07. Review status: criteria provided, single submitter. Criteria: Invitae Variant Classification Sherloc (09022015). Collection method: clinical testing. Allele origin: germline.
Comment: In summary, the available evidence is currently insufficient to determine the role of this variant in disease. Therefore, it has been classified as a Variant of Uncertain Significance. Algorithms developed to predict the effect of sequence changes on RNA splicing suggest that this variant may create or strengthen a splice site, but this prediction has not been confirmed by published transcriptional studies. Algorithms developed to predict the effect of missense changes on protein structure and function (SIFT, PolyPhen-2, Align-GVGD) all suggest that this variant is likely to be tolerated, but these predictions have not been confirmed by published functional studies and their clinical significance is uncertain. This variant has not been reported in the literature in individuals with PIGW-related conditions. This variant is present in population databases (rs762208126, ExAC 0.01%). This sequence change replaces threonine with serine at codon 136 of the PIGW protein (p.Thr136Ser). The threonine residue is weakly conserved and there is a small physicochemical difference between threonine and serine.

NM_001346754.2(PIGW):c.407C>G (p.Thr136Ser)

Genes: MYO19 (myosin XIX; minus strand), PIGW (phosphatidylinositol glycan anchor biosynthesis class W; plus strand). Cytogenetic location: 17q12.
Variant type: single nucleotide variant.
Coding change: c.407C>G on transcript NM_001346754.2 (MANE Select); coding-DNA position 407, C replaced by G.
Protein change: p.Thr136Ser; replaces threonine 136 with serine.
Molecular consequence: missense variant.
Genome position (GRCh38, 1-based): chr17:36,537,508, C>G. VCF-style: chr17-36537508-C-G. GRCh37 (hg19) VCF-style: chr17-34893357-C-G.
Other names: c.407C>G, p.Thr136Ser (NM_001346755.2, NM_178517.5); short protein forms T136S.
Identifiers: ClinVar variation 1363215 (VCV001363215.8), dbSNP rs762208126, ClinGen allele CA290115892.